The following is an entry in ClinVar:

ClinVar aggregate classification (germline): Uncertain significance. Review status: criteria provided, multiple submitters, no conflicts (2 of 4 stars). 2 submissions from 2 submitters: Uncertain significance (2). Last evaluated 2021-03-30.

Conditions:
Developmental and epileptic encephalopathy, 25 (DEE25). Also called: Epileptic encephalopathy, early infantile, 25; Developmental and epileptic encephalopathy 25, with amelogenesis imperfecta; Epileptic encephalopathy, early infantile, 25, with amelogenesis imperfecta. Identifiers: Orphanet 442835, MedGen C4014621, MONDO:0014392, OMIM 615905.

Allele frequency attached by ClinVar (database versions not stated): gnomAD exomes below 0.00001 and 0.00001; gnomAD 0.00001.
gnomAD v4.1: 9 of 1,614,050 alleles (0.00056%); highest among the groups gnomAD compares: South Asian, 0.0022%; no homozygotes.

Submissions (2):

Center for Genomics, Ann and Robert H. Lurie Children's Hospital of Chicago
Classification: Uncertain significance for Developmental and epileptic encephalopathy, 25. Last evaluated: 2021-03-30. Review status: criteria provided, single submitter. Criteria: ACMG Guidelines, 2015. Collection method: clinical testing. Allele origin: germline.
Comment: SLC13A5 NM_1777550.4 exon 7 p.Arg333Gln (c.998G>A): This variant is not present in large control databases but is present in 0.0015% (1/64570) of European alleles in the Genome Aggregation Database. Evolutionary conservation and computational predictive tools suggest that this variant may impact the protein. In summary, data on this variant is insufficient for disease classification. Therefore, the clinical significance of this variant is uncertain.

GeneDx
Classification: Uncertain significance. Last evaluated: 2017-06-30. Review status: criteria provided, single submitter. Criteria: GeneDx Variant Classification (06012015). Collection method: clinical testing. Allele origin: germline. Affected: yes.
Comment: A variant of uncertain significance has been identified in the SLC13A5 gene. The R333Q variant has not been published as a pathogenic variant, nor has it been reported as a benign variant to our knowledge. The R333Q variant is not observed in large population cohorts (Lek et al., 2016; 1000 Genomes Consortium et al., 2015; Exome Variant Server). The R333Q variant is a semi-conservative amino acid substitution, which may impact secondary protein structure as these residues differ in some properties. This substitution occurs at a position that is conserved across species and in silico analysis predicts this variant is probably damaging to the protein structure/function. However, missense variants in nearby residues have not been reported in Human Gene Mutation Database in association with SLC13A5-related disorders. Therefore, based on the currently available information, it is unclear whether this variant is a pathogenic variant or a rare benign variant.

NM_177550.5(SLC13A5):c.998G>A (p.Arg333Gln)

Gene: SLC13A5 (solute carrier family 13 member 5; minus strand). Cytogenetic location: 17p13.1.
Variant type: single nucleotide variant.
Coding change: c.998G>A on transcript NM_177550.5 (MANE Select); coding-DNA position 998, G replaced by A.
Protein change: p.Arg333Gln; replaces arginine 333 with glutamine.
Molecular consequence: missense variant.
Genome position (GRCh38, 1-based): chr17:6,695,783, C>T on the plus strand (G>A on the coding strand, the complement: SLC13A5 is on the minus strand). VCF-style: chr17-6695783-C-T. GRCh37 (hg19) VCF-style: chr17-6599102-C-T.
Other names: c.998G>A, p.Arg333Gln (NM_001143838.3); c.947G>A, p.Arg316Gln (NM_001284509.2); c.869G>A, p.Arg290Gln (NM_001284510.2); short protein forms R333Q, R290Q, R316Q.
Identifiers: ClinVar variation 450174 (VCV000450174.4), dbSNP rs1379095103, ClinGen allele CA397743943.
Genomic context (GRCh38, chr17:6,695,783, plus strand): 5'-TACTTTGTCTCACCCTCCACCCAGGCAACAGTCAGCCAGCCGGGCATGAAGCCGGGGTCT[C>T]GGGAGAACCACAGGATGACCAGCAGGAAGAAGCAGATCAGCACGTTGATCTCCGCGAAGG-3'
Protein context (NP_808218.1, residues 323-343): FFLLVILWFS[Arg333Gln]DPGFMPGWLT